The following is an entry in ClinVar:

NM_032119.4(ADGRV1):c.9661G>A (p.Val3221Met)

Gene: ADGRV1 (adhesion G protein-coupled receptor V1; plus strand). Cytogenetic location: 5q14.3.
Variant type: single nucleotide variant.
Coding change: c.9661G>A on transcript NM_032119.4 (MANE Select); coding-DNA position 9661, G replaced by A.
Protein change: p.Val3221Met; replaces valine 3221 with methionine.
Molecular consequence: missense variant. On other transcripts: non-coding transcript variant (1).
Genome position (GRCh38, 1-based): chr5:90,720,972, G>A. VCF-style: chr5-90720972-G-A. GRCh37 (hg19) VCF-style: chr5-90016789-G-A.
Other names: short protein forms V3221M.
Identifiers: ClinVar variation 430541 (VCV000430541.15), dbSNP rs368092861, ClinGen allele CA3340570.

ClinVar aggregate classification (germline): Conflicting classifications of pathogenicity. Review status: criteria provided, conflicting classifications (1 of 4 stars). 3 submissions from 3 submitters: Uncertain significance (2); Likely benign (1). Last evaluated 2026-01-19.

Allele frequency attached by ClinVar (database versions not stated): ExAC 0.00001; gnomAD exomes 0.00001 and 0.00002; gnomAD 0.00005 and 0.00006; TOPMed 0.00007; ESP Exome Variant Server 0.00008.
gnomAD v4.1: 26 of 1,611,532 alleles (0.0016%); highest among the groups gnomAD compares: African/African-American, 0.015%; no homozygotes.

Submissions (3):

Labcorp Genetics (formerly Invitae), Labcorp
Classification: Likely benign. Last evaluated: 2026-01-19. Review status: criteria provided, single submitter. Criteria: Invitae Variant Classification Sherloc (09022015). Collection method: clinical testing. Allele origin: germline.

Blueprint Genetics
Classification: Uncertain significance. Last evaluated: 2022-06-10. Review status: criteria provided, single submitter. Criteria: ACMG Guidelines, 2015. Collection method: clinical testing. Allele origin: germline.

GeneDx
Classification: Uncertain significance. Last evaluated: 2017-05-25. Review status: criteria provided, single submitter. Criteria: GeneDx Variant Classification (06012015). Collection method: clinical testing. Allele origin: germline. Affected: yes.
Comment: The V3221M variant has not been published as a pathogenic variant, nor has it been reported as a benign variant to our knowledge. The variant is not observed at a significant frequency in large population cohorts (Lek et al., 2016; 1000 Genomes Consortium et al., 2015; Exome Variant Server). V3221M is a conservative amino acid substitution, which is not likely to impact secondary protein structure as these residues share similar properties. This substitution occurs at a position where amino acids with similar properties to Valine are tolerated across species. In silico analysis is inconsistent in its predictions as to whether or not the variant is damaging to the protein structure/function. In summary, based on the currently available information, it is unclear whether this variant is a pathogenic variant or a rare benign variant.